The following is an entry in ClinVar:

ClinVar aggregate classification (germline): Uncertain significance. Review status: criteria provided, multiple submitters, no conflicts (2 of 4 stars). 5 submissions from 5 submitters: Uncertain significance (5). Last evaluated 2025-09-10.

Conditions:
Retinoblastoma (RB1). Also called: RETINOBLASTOMA, SOMATIC. Identifiers: Orphanet 790, MedGen C0035335, MeSH D012175, MONDO:0008380, OMIM 180200, HP:0009919. Disease mechanism: loss of function. Inheritance: Both sporadic and heritable forms are tested..
Hereditary cancer-predisposing syndrome. Also called: Hereditary neoplastic syndrome; Neoplastic Syndromes, Hereditary; Tumor predisposition; Hereditary Cancer Syndrome. Identifiers: Orphanet 140162, MedGen C0027672, MeSH D009386, MONDO:0015356.
Malignant tumor of urinary bladder. Also called: Bladder cancer; Urinary Bladder Neoplasms; Urinary bladder cancer. Identifiers: MedGen C0005684, MONDO:0001187, OMIM 109800.

Allele frequency attached by ClinVar (database versions not stated): gnomAD exomes below 0.00001 and 0.00001; TOPMed below 0.00001; ExAC 0.00001.
gnomAD v4.1: 7 of 1,603,764 alleles (0.00044%); highest among the groups gnomAD compares: South Asian, 0.0011%; no homozygotes.

Submissions (5):

Color Diagnostics, LLC DBA Color Health
Classification: Uncertain significance for Retinoblastoma. Last evaluated: 2025-09-10. Review status: criteria provided, single submitter. Criteria: ACMG Guidelines, 2015. Collection method: clinical testing. Allele origin: germline.
Comment: This missense variant replaces glutamic acid with lysine at codon 322 of the RB1 protein. Computational prediction suggests that this variant may have deleterious impact on protein structure and function. To our knowledge, functional studies have not been reported for this variant. This variant has not been reported in individuals affected with RB1-related disorders in the literature. This variant has been identified in 1/248744 chromosomes in the general population by the Genome Aggregation Database (gnomAD). The available evidence is insufficient to determine the role of this variant in disease conclusively. Therefore, this variant is classified as a Variant of Uncertain Significance.

Ambry Genetics
Classification: Uncertain significance for Hereditary cancer-predisposing syndrome. Last evaluated: 2025-07-29. Review status: criteria provided, single submitter. Criteria: Ambry Variant Classification Scheme 2023. Collection method: clinical testing. Allele origin: germline.
Comment: The p.E322K variant (also known as c.964G>A), located in coding exon 10 of the RB1 gene, results from a G to A substitution at nucleotide position 964. The glutamic acid at codon 322 is replaced by lysine, an amino acid with similar properties. This amino acid position is well conserved in available vertebrate species. In addition, this alteration is predicted to be deleterious by in silico analysis. Since supporting evidence is limited at this time, the clinical significance of this alteration remains unclear.

Labcorp Genetics (formerly Invitae), Labcorp
Classification: Uncertain significance for Retinoblastoma. Last evaluated: 2025-03-31. Review status: criteria provided, single submitter. Criteria: Invitae Variant Classification Sherloc (09022015). Collection method: clinical testing. Allele origin: germline.
Comment: This sequence change replaces glutamic acid, which is acidic and polar, with lysine, which is basic and polar, at codon 322 of the RB1 protein (p.Glu322Lys). This variant is present in population databases (rs776534331, gnomAD 0.003%). This variant has not been reported in the literature in individuals affected with RB1-related conditions. ClinVar contains an entry for this variant (Variation ID: 836253). Invitae Evidence Modeling of protein sequence and biophysical properties (such as structural, functional, and spatial information, amino acid conservation, physicochemical variation, residue mobility, and thermodynamic stability) has been performed for this missense variant. However, the output from this modeling did not meet the statistical confidence thresholds required to predict the impact of this variant on RB1 protein function. RNA analysis performed to evaluate the impact of this missense change on mRNA splicing indicates it does not significantly alter splicing (internal data). In summary, the available evidence is currently insufficient to determine the role of this variant in disease. Therefore, it has been classified as a Variant of Uncertain Significance.

GeneDx
Classification: Uncertain significance. Last evaluated: 2024-08-09. Review status: criteria provided, single submitter. Criteria: GeneDx Variant Classification Process June 2021. Collection method: clinical testing. Allele origin: germline. Affected: yes.
Comment: Not observed at significant frequency in large population cohorts (gnomAD); In silico analysis supports that this missense variant has a deleterious effect on protein structure/function; Has not been previously published as pathogenic or benign to our knowledge; In silico analysis is inconclusive as to whether the variant alters gene splicing. In the absence of RNA/functional studies, the actual effect of this sequence change is unknown.; This variant is associated with the following publications: (PMID: 23516486)

Baylor Genetics
Classification: Uncertain significance for Malignant tumor of urinary bladder. Last evaluated: 2023-10-25. Review status: criteria provided, single submitter. Criteria: ACMG Guidelines, 2015. Collection method: clinical testing. Allele origin: unknown.

NM_000321.3(RB1):c.964G>A (p.Glu322Lys)

Gene: RB1 (RB transcriptional corepressor 1; plus strand). Cytogenetic location: 13q14.2.
Variant type: single nucleotide variant.
Coding change: c.964G>A on transcript NM_000321.3 (MANE Select); coding-DNA position 964, G replaced by A.
Protein change: p.Glu322Lys; replaces glutamic acid 322 with lysine.
Molecular consequence: missense variant.
Genome position (GRCh38, 1-based): chr13:48,367,518, G>A. VCF-style: chr13-48367518-G-A. GRCh37 (hg19) VCF-style: chr13-48941654-G-A.
Other names: short protein forms E322K.
Identifiers: ClinVar variation 836253 (VCV000836253.15), dbSNP rs776534331, ClinGen allele CA040100.
Genomic context (GRCh38, chr13:48,367,518, plus strand): 5'-GTAAAGGATAATTGTCAGTGACTTTTTTCTTTCAAGGTTGAAAATCTTTCTAAACGATAC[G>A]AAGAAATTTATCTTAAAAATAAAGATCTAGATGCAAGATTATTTTTGGATCATGATAAAA-3'
Protein context (NP_000312.2, residues 312-332): PEVENLSKRY[Glu322Lys]EIYLKNKDLD